The following is an entry in ClinVar:

ClinVar aggregate classification (germline): Pathogenic (1 of 4 stars; one submission).

Conditions:
Neurofibromatosis, type 1 (NF1). Also called: Neurofibromatosis, type I; Peripheral type neurofibromatosis; VON RECKLINGHAUSEN DISEASE; NEUROFIBROMATOSIS, TYPE I, SOMATIC. Identifiers: Orphanet 636, MedGen C0027831, MONDO:0018975, OMIM 162200. Disease mechanism: loss of function.

Submission:

Labcorp Genetics (formerly Invitae), Labcorp
Classification: Pathogenic for Neurofibromatosis, type 1. Last evaluated: 2023-07-29. Review status: criteria provided, single submitter. Criteria: Invitae Variant Classification Sherloc (09022015). Collection method: clinical testing. Allele origin: germline.
Comment: This sequence change replaces isoleucine, which is neutral and non-polar, with arginine, which is basic and polar, at codon 1284 of the NF1 protein (p.Ile1284Arg). For these reasons, this variant has been classified as Pathogenic. Advanced modeling of protein sequence and biophysical properties (such as structural, functional, and spatial information, amino acid conservation, physicochemical variation, residue mobility, and thermodynamic stability) performed at Invitae indicates that this missense variant is expected to disrupt NF1 protein function. ClinVar contains an entry for this variant (Variation ID: 2011296). This missense change has been observed in individual(s) with clinical features of neurofibromatosis type 1 (Invitae). In at least one individual the variant was observed to be de novo. This variant is not present in population databases (gnomAD no frequency).

NM_001042492.3(NF1):c.3851T>G (p.Ile1284Arg)

Gene: NF1 (neurofibromin 1; plus strand). Cytogenetic location: 17q11.2.
Variant type: single nucleotide variant.
Coding change: c.3851T>G on transcript NM_001042492.3 (MANE Select); coding-DNA position 3851, T replaced by G.
Protein change: p.Ile1284Arg; replaces isoleucine 1284 with arginine.
Molecular consequence: missense variant.
Genome position (GRCh38, 1-based): chr17:31,235,753, T>G. VCF-style: chr17-31235753-T-G. GRCh37 (hg19) VCF-style: chr17-29562771-T-G.
Other names: c.3851T>G, p.Ile1284Arg (NM_000267.4); short protein forms I1284R.
Identifiers: ClinVar variation 2011296 (VCV002011296.4), dbSNP rs2508260461, ClinGen allele CA398992853.
Genomic context (GRCh38, chr17:31,235,753, plus strand): 5'-AAGTAGAATTGGCAGACTCCATGCAGACTCTCTTCCGAGGCAACAGCTTGGCCAGTAAAA[T>G]AATGACATTCTGTTTCAAGGTTTGTATCATTCATTTTGTGTGTATGTGTGTGCTGAGGTA-3'
Protein context (NP_001035957.1, residues 1274-1294): LFRGNSLASK[Ile1284Arg]MTFCFKVYGA